The following is an entry in ClinVar:

NM_020166.5(MCCC1):c.1594+3A>G

Gene: MCCC1 (methylcrotonyl-CoA carboxylase subunit 1; minus strand). Cytogenetic location: 3q27.1.
Variant type: single nucleotide variant.
Coding change: c.1594+3A>G on transcript NM_020166.5 (MANE Select); 3 bases into the intron after coding-DNA position 1594, A replaced by G.
Molecular consequence: intron variant.
Genome position (GRCh38, 1-based): chr3:183,037,215, T>C on the plus strand (A>G on the coding strand, the complement: MCCC1 is on the minus strand). VCF-style: chr3-183037215-T-C. GRCh37 (hg19) VCF-style: chr3-182755003-T-C.
Other names: c.1267+3A>G (NM_001363880.1); c.1243+3A>G (NM_001293273.2).
Identifiers: ClinVar variation 2203464 (VCV002203464.1), dbSNP rs1713684846, ClinGen allele CA1425382189.

ClinVar aggregate classification (germline): Uncertain significance (1 of 4 stars; one submission).

Conditions:
3-methylcrotonyl-CoA carboxylase 1 deficiency (MCC1D). Also called: MCCD TYPE 1; METHYLCROTONYLGLYCINURIA TYPE I; MCC 1 deficiency; 3 Alpha methylcrotonylglycinuria 1. Identifiers: Orphanet 6, MedGen CN028786, MONDO:0008861, OMIM 210200.

Allele frequency attached by ClinVar (database versions not stated): gnomAD exomes below 0.00001; gnomAD 0.00001.
gnomAD v4.1: 3 of 1,613,160 alleles (0.00019%); highest among the groups gnomAD compares: South Asian, 0.0011%; no homozygotes.

Submission:

Labcorp Genetics (formerly Invitae), Labcorp
Classification: Uncertain significance for 3-methylcrotonyl-CoA carboxylase 1 deficiency. Last evaluated: 2022-03-04. Review status: criteria provided, single submitter. Criteria: Invitae Variant Classification Sherloc (09022015). Collection method: clinical testing. Allele origin: germline.
Comment: This sequence change falls in intron 13 of the MCCC1 gene. It does not directly change the encoded amino acid sequence of the MCCC1 protein. It affects a nucleotide within the consensus splice site. This variant is not present in population databases (gnomAD no frequency). This variant has been observed in individual(s) with clinical features of MCCC1-related conditions although a second variant was not observed (PMID: 22264772). Variants that disrupt the consensus splice site are a relatively common cause of aberrant splicing (PMID: 17576681, 9536098). Algorithms developed to predict the effect of sequence changes on RNA splicing suggest that this variant may disrupt the consensus splice site. In summary, the available evidence is currently insufficient to determine the role of this variant in disease. Therefore, it has been classified as a Variant of Uncertain Significance.

Literature cited by the submitters: PubMed 22264772; PubMed 17576681; PubMed 9536098.